The following is an entry in ClinVar:

NM_198271.5(LMOD3):c.390T>G (p.Asn130Lys)

Gene: LMOD3 (leiomodin 3; minus strand). Cytogenetic location: 3p14.1.
Variant type: single nucleotide variant.
Coding change: c.390T>G on transcript NM_198271.5 (MANE Select); coding-DNA position 390, T replaced by G.
Protein change: p.Asn130Lys; replaces asparagine 130 with lysine.
Molecular consequence: missense variant.
Genome position (GRCh38, 1-based): chr3:69,119,965, A>C on the plus strand (T>G on the coding strand, the complement: LMOD3 is on the minus strand). VCF-style: chr3-69119965-A-C. GRCh37 (hg19) VCF-style: chr3-69169116-A-C.
Other names: c.390T>G, p.Asn130Lys (NM_001304418.3); short protein forms N130K.
Identifiers: ClinVar variation 1407913 (VCV001407913.6), dbSNP rs190846774, ClinGen allele CA353477011.

ClinVar aggregate classification (germline): Uncertain significance (1 of 4 stars; one submission).

Conditions:
Nemaline myopathy 10 (NEM10). Identifiers: MedGen C4015360, MONDO:0014513, OMIM 616165.

Allele frequency attached by ClinVar (database versions not stated): TOPMed 0.00001.

Submission:

Labcorp Genetics (formerly Invitae), Labcorp
Classification: Uncertain significance for Nemaline myopathy 10. Last evaluated: 2021-10-11. Review status: criteria provided, single submitter. Criteria: Invitae Variant Classification Sherloc (09022015). Collection method: clinical testing. Allele origin: germline.
Comment: In summary, the available evidence is currently insufficient to determine the role of this variant in disease. Therefore, it has been classified as a Variant of Uncertain Significance. Algorithms developed to predict the effect of missense changes on protein structure and function output the following: SIFT: "Tolerated"; PolyPhen-2: "Benign"; Align-GVGD: "Class C0". The lysine amino acid residue is found in multiple mammalian species, which suggests that this missense change does not adversely affect protein function. This variant has not been reported in the literature in individuals affected with LMOD3-related conditions. This variant is not present in population databases (ExAC no frequency). This sequence change replaces asparagine with lysine at codon 130 of the LMOD3 protein (p.Asn130Lys). The asparagine residue is weakly conserved and there is a moderate physicochemical difference between asparagine and lysine.